The following is an entry in ClinVar:

NM_001063.4(TF):c.521C>T (p.Ser174Leu)

Gene: TF (transferrin; plus strand). Cytogenetic location: 3q22.1.
Variant type: single nucleotide variant.
Coding change: c.521C>T on transcript NM_001063.4 (MANE Select); coding-DNA position 521, C replaced by T.
Protein change: p.Ser174Leu; replaces serine 174 with leucine.
Molecular consequence: missense variant.
Genome position (GRCh38, 1-based): chr3:133,755,381, C>T. VCF-style: chr3-133755381-C-T. GRCh37 (hg19) VCF-style: chr3-133474225-C-T.
Other names: c.389C>T, p.Ser130Leu (NM_001354703.2); c.140C>T, p.Ser47Leu (NM_001354704.2); short protein forms S174L, S130L, S47L.
Identifiers: ClinVar variation 343433 (VCV000343433.13), dbSNP rs150679929, ClinGen allele CA2625003.

ClinVar aggregate classification (germline): Likely benign. Review status: criteria provided, multiple submitters, no conflicts (2 of 4 stars). 3 submissions from 3 submitters: Likely benign (2). 1 of the submissions does not count toward it. Last evaluated 2026-01-26.

Conditions:
TF-related disorder. Also called: TF-related condition.
Atransferrinemia. Also called: Familial hypotransferrinemia. Identifiers: Orphanet 1195, MedGen C0521802, MONDO:0008846, OMIM 209300, HP:0012239.

Allele frequency attached by ClinVar (database versions not stated): ESP Exome Variant Server 0.00023; gnomAD exomes 0.00029 and 0.00077; TOPMed 0.00048; gnomAD 0.00051 and 0.00064; ExAC 0.00080; 1000 Genomes Project 0.00160; 1000 Genomes Project 30x 0.00187.
gnomAD v4.1: 566 of 1,614,216 alleles (0.035%); highest among the groups gnomAD compares: East Asian, 0.45%; 2 homozygotes.

Submissions (3):

Labcorp Genetics (formerly Invitae), Labcorp
Classification: Likely benign. Last evaluated: 2026-01-26. Review status: criteria provided, single submitter. Criteria: Invitae Variant Classification Sherloc (09022015). Collection method: clinical testing. Allele origin: germline.

Illumina Laboratory Services, Illumina
Classification: Likely benign for Atransferrinemia. Last evaluated: 2018-01-13. Review status: criteria provided, single submitter. Criteria: ICSL Variant Classification Criteria 13 December 2019. Collection method: clinical testing. Allele origin: germline.
Comment: This variant was observed in the ICSL laboratory as part of a predisposition screen in an ostensibly healthy population. It had not been previously curated by ICSL or reported in the Human Gene Mutation Database (HGMD: prior to June 1st, 2018), and was therefore a candidate for classification through an automated scoring system. Utilizing variant allele frequency, disease prevalence and penetrance estimates, and inheritance mode, an automated score was calculated to assess if this variant is too frequent to cause the disease. Based on the score and internal cut-off values, a variant classified as likely benign is not then subjected to further curation. The score for this variant resulted in a classification of likely benign for this disease.

PreventionGenetics, part of Exact Sciences
Classification: Likely benign for TF-related condition. Last evaluated: 2019-07-17. Review status: no assertion criteria provided. Collection method: clinical testing. Allele origin: germline. Not counted in ClinVar's aggregate classification.
Comment: This variant is classified as likely benign based on ACMG/AMP sequence variant interpretation guidelines (Richards et al. 2015 PMID: 25741868, with internal and published modifications).